The following is an entry in ClinVar:

NM_020884.7(MYH7B):c.1744G>A (p.Glu582Lys)

Gene: MYH7B (myosin heavy chain 7B; plus strand). Cytogenetic location: 20q11.22.
Variant type: single nucleotide variant.
Coding change: c.1744G>A on transcript NM_020884.7 (MANE Select); coding-DNA position 1744, G replaced by A.
Protein change: p.Glu582Lys; replaces glutamic acid 582 with lysine.
Molecular consequence: missense variant.
Genome position (GRCh38, 1-based): chr20:34,989,896, G>A. VCF-style: chr20-34989896-G-A. GRCh37 (hg19) VCF-style: chr20-33577699-G-A.
Other names: c.1870G>A (NM_020884.4); short protein forms E582K.
Identifiers: ClinVar variation 4980594 (VCV004980594.1), dbSNP rs267605897.

ClinVar aggregate classification (germline): Uncertain significance (1 of 4 stars; one submission).

Conditions:
MYH7B-related disorder. Also called: MYH7B-related condition.

gnomAD v4.1: 38 of 1,614,118 alleles (0.0024%); highest among the groups gnomAD compares: Middle Eastern, 0.36%; 1 homozygote.

Submission:

PreventionGenetics, part of Exact Sciences
Classification: Uncertain significance for MYH7B-related condition. Last evaluated: 2025-01-22. Review status: criteria provided, single submitter. Criteria: ACMG Guidelines, 2015. Collection method: clinical testing. Allele origin: germline.
Comment: The MYH7B c.1870G>A variant is predicted to result in the amino acid substitution p.Glu624Lys. To our knowledge, this variant has not been reported in the literature. This variant is reported in 0.015% of alleles in individuals of East Asian descent in gnomAD. At this time, the clinical significance of this variant is uncertain due to the absence of conclusive functional and genetic evidence.